The following is an entry in ClinVar:

NM_001035.3(RYR2):c.12168G>A (p.Lys4056=)

Gene: RYR2 (ryanodine receptor 2; plus strand). Cytogenetic location: 1q43.
Variant type: single nucleotide variant.
Coding change: c.12168G>A on transcript NM_001035.3 (MANE Select); coding-DNA position 12168, G replaced by A.
Protein change: p.Lys4056=; no amino-acid change (lysine 4056 retained).
Molecular consequence: synonymous variant.
Genome position (GRCh38, 1-based): chr1:237,783,880, G>A. VCF-style: chr1-237783880-G-A. GRCh37 (hg19) VCF-style: chr1-237947180-G-A.
Identifiers: ClinVar variation 701767 (VCV000701767.15), dbSNP rs1573932788, ClinGen allele CA424031928.

ClinVar aggregate classification (germline): Likely benign. Review status: criteria provided, multiple submitters, no conflicts (2 of 4 stars). 4 submissions from 4 submitters: Likely benign (4). Last evaluated 2024-10-07.

Conditions:
Catecholaminergic polymorphic ventricular tachycardia (CVPT). Also called: Catecholamine-induced polymorphic ventricular tachycardia. Identifiers: Orphanet 3286, MedGen C5574922, MONDO:0017990.
Cardiomyopathy (CMYO). Also called: Cardiomyopathies. Identifiers: Orphanet 167848, MedGen C0878544, MONDO:0004994, HP:0001638. Inheritance: Various modes of inheritance.
Catecholaminergic polymorphic ventricular tachycardia 1. Also called: VENTRICULAR TACHYCARDIA, CATECHOLAMINERGIC POLYMORPHIC, 1, WITH OR WITHOUT ATRIAL DYSFUNCTION AND/OR DILATED CARDIOMYOPATHY; VENTRICULAR TACHYCARDIA, STRESS-INDUCED POLYMORPHIC 1; RYR2-Related Catecholaminergic Polymorphic Ventricular Tachycardia. Identifiers: Orphanet 3286, MedGen C1631597, MONDO:0011484, OMIM 604772.
Cardiovascular phenotype. Identifiers: MedGen CN230736.

Allele frequency attached by ClinVar (database versions not stated): gnomAD 0.00001.
gnomAD v4.1: 2 of 1,613,704 alleles (0.00012%); highest among the groups gnomAD compares: Non-Finnish European, 0.00017%; no homozygotes.

Submissions (4):

Ambry Genetics
Classification: Likely benign for Cardiovascular phenotype. Last evaluated: 2024-10-07. Review status: criteria provided, single submitter. Criteria: Ambry Variant Classification Scheme 2023. Collection method: clinical testing. Allele origin: germline.

Labcorp Genetics (formerly Invitae), Labcorp
Classification: Likely benign for Catecholaminergic polymorphic ventricular tachycardia 1. Last evaluated: 2024-02-03. Review status: criteria provided, single submitter. Criteria: Invitae Variant Classification Sherloc (09022015). Collection method: clinical testing. Allele origin: germline.

All of Us Research Program, National Institutes of Health
Classification: Likely benign for Catecholaminergic polymorphic ventricular tachycardia. Last evaluated: 2023-10-27. Review status: criteria provided, single submitter. Criteria: ACMG Guidelines, 2015. Collection method: clinical testing. Allele origin: germline. Inheritance: Autosomal dominant inheritance. Observed: 2 variant alleles, 2 heterozygotes.
Comment: This study involves interpretation of variants in research participants for the purpose of population health screening. Participant phenotype was not available at the time of variant classification. Additional details can be found in publication PMID: 35346344, PMCID: PMC8962531

Color Diagnostics, LLC DBA Color Health
Classification: Likely benign for Cardiomyopathy. Last evaluated: 2019-06-22. Review status: criteria provided, single submitter. Criteria: ACMG Guidelines, 2015. Collection method: clinical testing. Allele origin: germline.